The following is an entry in ClinVar:

ClinVar aggregate classification (germline): Benign/Likely benign. Review status: criteria provided, multiple submitters, no conflicts (2 of 4 stars). 2 submissions from 2 submitters: Benign (1); Likely benign (1). Last evaluated 2025-12-30.

Conditions:
OPLAH-related disorder. Also called: OPLAH-related condition.
5-Oxoprolinase deficiency (OPLAHD). Also called: 5-OXOPROLINURIA DUE TO 5-OXOPROLINASE DEFICIENCY. Identifiers: Orphanet 33572, MedGen C0268525, MONDO:0009825, OMIM 260005, HP:0040142.

Allele frequency attached by ClinVar (database versions not stated): gnomAD exomes 0.00034 and 0.00073; ExAC 0.00080; 1000 Genomes Project 0.00260; gnomAD 0.00277 and 0.00296; 1000 Genomes Project 30x 0.00297; TOPMed 0.00313; ESP Exome Variant Server 0.00327.
gnomAD v4.1: 926 of 1,610,578 alleles (0.057%); highest among the groups gnomAD compares: African/African-American, 1.1%; 5 homozygotes.

Submissions (2):

Labcorp Genetics (formerly Invitae), Labcorp
Classification: Benign for 5-Oxoprolinase deficiency. Last evaluated: 2025-12-30. Review status: criteria provided, single submitter. Criteria: Invitae Variant Classification Sherloc (09022015). Collection method: clinical testing. Allele origin: germline.

PreventionGenetics, part of Exact Sciences
Classification: Likely benign for OPLAH-related condition. Last evaluated: 2025-02-26. Review status: criteria provided, single submitter. Criteria: ACMG Guidelines, 2015. Collection method: clinical testing. Allele origin: germline.
Comment: This variant is classified as likely benign based on ACMG/AMP sequence variant interpretation guidelines (Richards et al. 2015 PMID: 25741868, with internal and published modifications).

NM_017570.5(OPLAH):c.1921C>T (p.Arg641Cys)

Gene: OPLAH (5-oxoprolinase, ATP-hydrolysing; minus strand). Cytogenetic location: 8q24.3.
Variant type: single nucleotide variant.
Coding change: c.1921C>T on transcript NM_017570.5 (MANE Select); coding-DNA position 1921, C replaced by T.
Protein change: p.Arg641Cys; replaces arginine 641 with cysteine.
Molecular consequence: missense variant.
Genome position (GRCh38, 1-based): chr8:144,056,447, G>A on the plus strand (C>T on the coding strand, the complement: OPLAH is on the minus strand). VCF-style: chr8-144056447-G-A. GRCh37 (hg19) VCF-style: chr8-145111350-G-A.
Other names: short protein forms R641C.
Identifiers: ClinVar variation 715149 (VCV000715149.9), dbSNP rs150735438, ClinGen allele CA4931661.
Genomic context (GRCh38, chr8:144,056,447, plus strand): 5'-TGTCCACCCGGGGAGGCCCGGTCTGGGCTTTGGGGGCATCCTCGAGGCGAAGACCACTGC[G>A]GCCGGTGCCCCGCACTCGCACATCGTCCACGACCACCGGCCGCTCAGGTATGACAAAGCC-3'
Protein context (NP_060040.1, residues 631-651): VDDVRVRGTG[Arg641Cys]SGLRLEDAPK